The following is an entry in ClinVar:

NM_001684.5(ATP2B4):c.2977C>G (p.Arg993Gly)

Gene: ATP2B4 (ATPase plasma membrane Ca2+ transporting 4; plus strand). Cytogenetic location: 1q32.1.
Variant type: single nucleotide variant.
Coding change: c.2977C>G on transcript NM_001684.5 (MANE Select); coding-DNA position 2977, C replaced by G.
Protein change: p.Arg993Gly; replaces arginine 993 with glycine.
Molecular consequence: missense variant.
Genome position (GRCh38, 1-based): chr1:203,722,642, C>G. VCF-style: chr1-203722642-C-G. GRCh37 (hg19) VCF-style: chr1-203691770-C-G.
Other names: c.2977C>G, p.Arg993Gly (NM_001001396.3, NM_001365783.2, NM_001365784.2); short protein forms R993G.
Identifiers: ClinVar variation 2457535 (VCV002457535.4), dbSNP rs143974450, ClinGen allele CA1342004.

ClinVar aggregate classification (germline): Uncertain significance. Review status: criteria provided, multiple submitters, no conflicts (2 of 4 stars). 2 submissions from 2 submitters: Uncertain significance (2). Last evaluated 2026-01-22.

gnomAD v4.1: 64 of 1,614,048 alleles (0.004%); highest among the groups gnomAD compares: Middle Eastern, 0.016%; no homozygotes.

Submissions (2):

Labcorp Genetics (formerly Invitae), Labcorp
Classification: Uncertain significance. Last evaluated: 2026-01-22. Review status: criteria provided, single submitter. Criteria: Invitae Variant Classification Sherloc (09022015). Collection method: clinical testing. Allele origin: germline.
Comment: This sequence change replaces arginine, which is basic and polar, with glycine, which is neutral and non-polar, at codon 993 of the ATP2B4 protein (p.Arg993Gly). This variant is present in population databases (rs143974450, gnomAD 0.01%). This variant has not been reported in the literature in individuals affected with ATP2B4-related conditions. ClinVar contains an entry for this variant (Variation ID: 2457535). Invitae Evidence Modeling of protein sequence and biophysical properties (such as structural, functional, and spatial information, amino acid conservation, physicochemical variation, residue mobility, and thermodynamic stability) indicates that this missense variant is not expected to disrupt ATP2B4 protein function with a negative predictive value of 80%. In summary, the available evidence is currently insufficient to determine the role of this variant in disease. Therefore, it has been classified as a Variant of Uncertain Significance.

Ambry Genetics
Classification: Uncertain significance. Last evaluated: 2025-11-03. Review status: criteria provided, single submitter. Criteria: Ambry Variant Classification Scheme 2023. Collection method: clinical testing. Allele origin: germline.